The following is an entry in ClinVar:

ClinVar aggregate classification (germline): Likely pathogenic. Review status: criteria provided, multiple submitters, no conflicts (2 of 4 stars). 2 submissions from 2 submitters: Likely pathogenic (2). Last evaluated 2024-10-04.

Conditions:
Vici syndrome (VICIS). Identifiers: Orphanet 1493, MedGen C1855772, MONDO:0009452, OMIM 242840.

Submissions (2):

Dubai Health Genomic Medicine Center, Dubai Health
Classification: Likely pathogenic for Vici syndrome. Last evaluated: 2024-10-04. Review status: criteria provided, single submitter. Criteria: ACMG Guidelines, 2015. Collection method: research. Allele origin: germline. Affected: yes.
Comment: PVS1,PM2

SIB Swiss Institute of Bioinformatics
Classification: Likely pathogenic for Vici syndrome. Last evaluated: 2019-01-17. Review status: criteria provided, single submitter. Criteria: ACMG Guidelines, 2015. Collection method: curation. Allele origin: unknown.
Comment: This variant is interpreted as a Likely pathogenic for Vici syndrome, autosomal recessive. The following ACMG Tag(s) were applied: PM2 => Absent from controls (or at extremely low frequency if recessive) in Exome Sequencing Project, 1000 Genomes Project, or Exome Aggregation Consortium. PVS1 => Predicted nullvariant in a gene where LOF is a known mechanism of disease..

ClinGen:CA402336748

Literature cited by the submitters: PubMed 23222957 (cited by SIB Swiss Institute of Bioinformatics).

NM_020964.3(EPG5):c.4783C>T (p.Gln1595Ter)

Gene: EPG5 (ectopic P-granules 5 autophagy tethering factor; minus strand). Cytogenetic location: 18q12.3.
Variant type: single nucleotide variant.
Coding change: c.4783C>T on transcript NM_020964.3 (MANE Select); coding-DNA position 4783, C replaced by T.
Protein change: p.Gln1595Ter; replaces glutamine 1595 with a stop codon.
Molecular consequence: nonsense.
Genome position (GRCh38, 1-based): chr18:45,899,430, G>A on the plus strand (C>T on the coding strand, the complement: EPG5 is on the minus strand). VCF-style: chr18-45899430-G-A. GRCh37 (hg19) VCF-style: chr18-43479395-G-A.
Other names: c.4783C>T, p.Gln1595Ter (LRG_1234t1); short protein forms Q1595*.
Identifiers: ClinVar variation 626246 (VCV000626246.3), dbSNP rs1568133724, ClinGen allele CA402336748.